The following is an entry in ClinVar:

ClinVar aggregate classification (germline): Uncertain significance (1 of 4 stars; one submission).

Allele frequency attached by ClinVar (database versions not stated): TOPMed below 0.00001; ExAC 0.00001; gnomAD exomes 0.00001.
gnomAD v4.1: 11 of 1,612,172 alleles (0.00068%); highest among the groups gnomAD compares: Non-Finnish European, 0.00093%; no homozygotes.

Submission:

Labcorp Genetics (formerly Invitae), Labcorp
Classification: Uncertain significance. Last evaluated: 2022-03-04. Review status: criteria provided, single submitter. Criteria: Invitae Variant Classification Sherloc (09022015). Collection method: clinical testing. Allele origin: germline.
Comment: This sequence change replaces serine, which is neutral and polar, with leucine, which is neutral and non-polar, at codon 1860 of the CCDC88A protein (p.Ser1860Leu). In summary, the available evidence is currently insufficient to determine the role of this variant in disease. Therefore, it has been classified as a Variant of Uncertain Significance. Algorithms developed to predict the effect of missense changes on protein structure and function are either unavailable or do not agree on the potential impact of this missense change (SIFT: "Deleterious"; PolyPhen-2: "Possibly Damaging"; Align-GVGD: "Class C0"). This variant has not been reported in the literature in individuals affected with CCDC88A-related conditions. This variant is present in population databases (rs762237924, gnomAD 0.0009%).

NM_001365480.1(CCDC88A):c.5582C>T (p.Ser1861Leu)

Gene: CCDC88A (coiled-coil domain containing 88A; minus strand). Cytogenetic location: 2p16.1.
Variant type: single nucleotide variant.
Coding change: c.5582C>T on transcript NM_001365480.1 (MANE Select); coding-DNA position 5582, C replaced by T.
Protein change: p.Ser1861Leu; replaces serine 1861 with leucine.
Molecular consequence: missense variant.
Genome position (GRCh38, 1-based): chr2:55,291,745, G>A on the plus strand (C>T on the coding strand, the complement: CCDC88A is on the minus strand). VCF-style: chr2-55291745-G-A. GRCh37 (hg19) VCF-style: chr2-55518881-G-A.
Other names: c.5579C>T, p.Ser1860Leu (NM_001135597.2); c.5357C>T, p.Ser1786Leu (NM_001254943.2); c.5498C>T, p.Ser1833Leu (NM_018084.5); short protein forms S1861L, S1786L, S1833L, S1860L.
Identifiers: ClinVar variation 1948211 (VCV001948211.4), dbSNP rs762237924, ClinGen allele CA1665243.
Genomic context (GRCh38, chr2:55,291,745, plus strand): 5'-CACATGTCATGTAGTGGGTAATAGAATTAGGAGCTTTGTTGCTCCCTAGACCTGCTTTTT[G>A]AATTTCTGCTTTCTTGTACTTTGTCCACATCTGCAGGAGAAAAGCATTTCATGTTATTTA-3'
Protein context (NP_001352409.1, residues 1851-1871): NVDKVQESRN[Ser1861Leu]KSRSREQQSS